The following is an entry in ClinVar:

ClinVar aggregate classification (germline): Likely benign. Review status: criteria provided, multiple submitters, no conflicts (2 of 4 stars). 2 submissions from 2 submitters: Likely benign (2). Last evaluated 2024-04-17.

Allele frequency attached by ClinVar (database versions not stated): ExAC 0.00007; gnomAD 0.00007; gnomAD exomes 0.00009; ESP Exome Variant Server 0.00015; 1000 Genomes Project 0.00020; 1000 Genomes Project 30x 0.00031.
gnomAD v4.1: 146 of 1,613,884 alleles (0.009%); highest among the groups gnomAD compares: Non-Finnish European, 0.012%; no homozygotes.

Submissions (2):

Labcorp Genetics (formerly Invitae), Labcorp
Classification: Likely benign. Last evaluated: 2024-04-17. Review status: criteria provided, single submitter. Criteria: Invitae Variant Classification Sherloc (09022015). Collection method: clinical testing. Allele origin: germline.

CeGaT Center for Human Genetics Tuebingen
Classification: Likely benign. Last evaluated: 2023-05-01. Review status: criteria provided, single submitter. Criteria: CeGaT Center For Human Genetics Tuebingen Variant Classification Criteria Version 2. Collection method: clinical testing. Allele origin: germline. Affected: yes. Observed: 1 variant allele.
Comment: RERE: BP4, BP7

NM_001042681.2(RERE):c.165C>T (p.His55=)

Gene: RERE (arginine-glutamic acid dipeptide repeats; minus strand). Cytogenetic location: 1p36.23.
Variant type: single nucleotide variant.
Coding change: c.165C>T on transcript NM_001042681.2 (MANE Select); coding-DNA position 165, C replaced by T.
Protein change: p.His55=; no amino-acid change (histidine 55 retained).
Molecular consequence: synonymous variant.
Genome position (GRCh38, 1-based): chr1:8,656,133, G>A on the plus strand (C>T on the coding strand, the complement: RERE is on the minus strand). VCF-style: chr1-8656133-G-A. GRCh37 (hg19) VCF-style: chr1-8716192-G-A.
Other names: c.165C>T, p.His55= (NM_012102.4).
Identifiers: ClinVar variation 2179060 (VCV002179060.28), dbSNP rs149568800, ClinGen allele CA572155.